The following is an entry in ClinVar:

ClinVar aggregate classification (germline): Likely pathogenic (1 of 4 stars; one submission).

Conditions:
Myasthenic syndrome, congenital, 22 (CMS22). Also called: PREPL DEFICIENCY. Identifiers: MedGen C4479088, MONDO:0044299, OMIM 616224.

Submission:

Labcorp Genetics (formerly Invitae), Labcorp
Classification: Likely pathogenic for Myasthenic syndrome, congenital, 22. Last evaluated: 2022-11-23. Review status: criteria provided, single submitter. Criteria: Invitae Variant Classification Sherloc (09022015). Collection method: clinical testing. Allele origin: germline.
Comment: This sequence change affects an acceptor splice site in intron 4 of the PREPL gene. It is expected to disrupt RNA splicing. Variants that disrupt the donor or acceptor splice site typically lead to a loss of protein function (PMID: 16199547), and loss-of-function variants in PREPL are known to be pathogenic (PMID: 24610330, 28726805, 29913539). This variant is not present in population databases (gnomAD no frequency). This variant has not been reported in the literature in individuals affected with PREPL-related conditions. Algorithms developed to predict the effect of sequence changes on RNA splicing suggest that this variant may disrupt the consensus splice site. In summary, the currently available evidence indicates that the variant is pathogenic, but additional data are needed to prove that conclusively. Therefore, this variant has been classified as Likely Pathogenic.

Literature cited by the submitters: PubMed 16199547; PubMed 24610330; PubMed 28726805; PubMed 29913539.

NM_001171613.2(PREPL):c.350-1G>T

Gene: PREPL (prolyl endopeptidase like; minus strand). Cytogenetic location: 2p21.
Variant type: single nucleotide variant.
Coding change: c.350-1G>T on transcript NM_001171613.2 (MANE Select); the canonical splice acceptor site of the intron before coding-DNA position 350, G replaced by T.
Molecular consequence: splice acceptor variant.
Genome position (GRCh38, 1-based): chr2:44,342,553, C>A on the plus strand (G>T on the coding strand, the complement: PREPL is on the minus strand). VCF-style: chr2-44342553-C-A. GRCh37 (hg19) VCF-style: chr2-44569692-C-A.
Other names: c.350-1G>T (NM_001171617.1, NM_001374277.1); c.617-1G>T (NM_001171603.1, NM_001374275.1, NM_001374276.1 and 4 more transcripts).
Identifiers: ClinVar variation 2816038 (VCV002816038.3), dbSNP rs2466279219, ClinGen allele CA346693013.